The following is an entry in ClinVar:

ClinVar aggregate classification (germline): Pathogenic (1 of 4 stars; one submission).

Conditions:
Primary immunodeficiency with post-measles-mumps-rubella vaccine viral infection. Also called: Immunodeficiency 44. Identifiers: Orphanet 431166, MedGen C4225260, MONDO:0014715, OMIM 616636.

Submission:

Labcorp Genetics (formerly Invitae), Labcorp
Classification: Pathogenic for Primary immunodeficiency with post-measles-mumps-rubella vaccine viral infection. Last evaluated: 2022-12-03. Review status: criteria provided, single submitter. Criteria: Invitae Variant Classification Sherloc (09022015). Collection method: clinical testing. Allele origin: germline.
Comment: For these reasons, this variant has been classified as Pathogenic. This variant has not been reported in the literature in individuals affected with STAT2-related conditions. This variant is present in population databases (rs779636893, gnomAD 0.007%). This sequence change creates a premature translational stop signal (p.Gly579Hisfs*28) in the STAT2 gene. It is expected to result in an absent or disrupted protein product. Loss-of-function variants in STAT2 are known to be pathogenic (PMID: 23391734, 26122121).

Literature cited by the submitters: PubMed 23391734; PubMed 26122121.

NM_005419.4(STAT2):c.1728_1734dup (p.Gly579fs)

Gene: STAT2 (signal transducer and activator of transcription 2; minus strand). Cytogenetic location: 12q13.3.
Variant type: Duplication.
Coding change: c.1728_1734dup on transcript NM_005419.4 (MANE Select); coding-DNA positions 1728 to 1734, 7 bases duplicated (CATCATG; older notation c.1728_1734dupCATCATG).
Protein change: p.Gly579fs; shifts the reading frame from glycine 579.
Molecular consequence: frameshift variant.
Genome position (GRCh38, 1-based): chr12:56,346,946-56,346,952, CATGATG duplicated on the plus strand (CATCATG on the coding strand, the reverse complement: STAT2 is on the minus strand); duplicating any 7 consecutive bases within chr12:56,346,946-56,346,953 gives the same sequence; the c. name uses the placement nearest the transcript's 3' end. VCF-style (leftmost placement, unchanged base first): chr12-56346945-C-CCATGATG. GRCh37 (hg19) VCF-style: chr12-56740729-C-CCATGATG.
Other names: c.1695_1701dup, p.Gly568fs (NM_001385110.1); c.1629_1635dup, p.Gly546fs (NM_001385111.1); c.1728_1734dup, p.Gly579fs (NM_001385113.1); c.1707_1713dup, p.Gly572fs (NM_001385114.1); c.1686_1692dup, p.Gly565fs (NM_001385115.1); c.1716_1722dup, p.Gly575fs (NM_198332.2); short protein forms G565fs, G568fs, G579fs, G546fs, G572fs, G575fs.
Identifiers: ClinVar variation 2728515 (VCV002728515.3), dbSNP rs779636893, ClinGen allele CA6630408.